The following is an entry in ClinVar:

NM_000038.6(APC):c.1744-25_1744-13del

Gene: APC (APC regulator of Wnt signaling pathway; plus strand). Cytogenetic location: 5q22.2.
Variant type: Deletion.
Coding change: c.1744-25_1744-13del on transcript NM_000038.6 (MANE Select); 25 bases into the intron before coding-DNA position 1744 through 13 bases into the intron before coding-DNA position 1744, 13 bases deleted (TGACCCATATTCT).
Molecular consequence: intron variant.
Genome position (GRCh38, 1-based): chr5:112,834,926-112,834,938, TGACCCATATTCT deleted. VCF-style (leftmost placement, unchanged base first): chr5-112834925-ATGACCCATATTCT-A. GRCh37 (hg19) VCF-style: chr5-112170622-ATGACCCATATTCT-A.
Other names: c.895-25_895-13del (NM_001407470.1, NM_001354906.2); c.592-25_592-13del (NM_001407472.1, NM_001407471.1); c.1798-25_1798-13del (NM_001407447.1, NM_001407448.1, NM_001407449.1 and 1 more transcripts); c.1744-25_1744-13del (NM_001354895.2, NM_001407450.1, NM_001127510.3); c.1495-25_1495-13del (NM_001407456.1, NM_001407457.1, NM_001407455.1 and 1 more transcripts); c.1441-25_1441-13del (NM_001407460.1, NM_001407458.1, NM_001407459.1 and 1 more transcripts); c.1714-25_1714-13del (NM_001407452.1); c.1357-25_1357-13del (NM_001407469.1, NM_001407467.1); and 11 more.
Identifiers: ClinVar variation 2746898 (VCV002746898.3), dbSNP rs2533330260, ClinGen allele CA2697546199.

ClinVar aggregate classification (germline): Uncertain significance (1 of 4 stars; one submission).

Conditions:
Familial adenomatous polyposis 1 (FAP1). Also called: FAMILIAL ADENOMATOUS POLYPOSIS 1, ATTENUATED; POLYPOSIS, ADENOMATOUS INTESTINAL. Identifiers: MedGen C2713442, MONDO:0021056, OMIM 175100. Disease mechanism: loss of function.

Submission:

Labcorp Genetics (formerly Invitae), Labcorp
Classification: Uncertain significance for Familial adenomatous polyposis 1. Last evaluated: 2023-07-25. Review status: criteria provided, single submitter. Criteria: Invitae Variant Classification Sherloc (09022015). Collection method: clinical testing. Allele origin: germline.
Comment: This sequence change falls in intron 14 of the APC gene. It does not directly change the encoded amino acid sequence of the APC protein. This variant is not present in population databases (gnomAD no frequency). This variant has not been reported in the literature in individuals affected with APC-related conditions. Algorithms developed to predict the effect of sequence changes on RNA splicing suggest that this variant may disrupt the consensus splice site. In summary, the available evidence is currently insufficient to determine the role of this variant in disease. Therefore, it has been classified as a Variant of Uncertain Significance.